The following is an entry in ClinVar:

ClinVar aggregate classification (germline): Uncertain significance (1 of 4 stars; one submission).

Conditions:
Renal cell carcinoma. Identifiers: Orphanet 217071, MedGen C0007134, MeSH D002292, MONDO:0005086, HP:0005584.

Submission:

Labcorp Genetics (formerly Invitae), Labcorp
Classification: Uncertain significance for Renal cell carcinoma. Last evaluated: 2022-06-29. Review status: criteria provided, single submitter. Criteria: Invitae Variant Classification Sherloc (09022015). Collection method: clinical testing. Allele origin: germline.
Comment: This sequence change replaces threonine, which is neutral and polar, with isoleucine, which is neutral and non-polar, at codon 777 of the MET protein (p.Thr777Ile). This variant is not present in population databases (gnomAD no frequency). This variant has not been reported in the literature in individuals affected with MET-related conditions. Algorithms developed to predict the effect of missense changes on protein structure and function are either unavailable or do not agree on the potential impact of this missense change (SIFT: "Deleterious"; PolyPhen-2: "Probably Damaging"; Align-GVGD: "Class C0"). In summary, the available evidence is currently insufficient to determine the role of this variant in disease. Therefore, it has been classified as a Variant of Uncertain Significance.

NM_000245.4(MET):c.2276C>T (p.Thr759Ile)

Gene: MET (MET proto-oncogene, receptor tyrosine kinase; plus strand). Cytogenetic location: 7q31.2.
Variant type: single nucleotide variant.
Coding change: c.2276C>T on transcript NM_000245.4 (MANE Select); coding-DNA position 2276, C replaced by T.
Protein change: p.Thr759Ile; replaces threonine 759 with isoleucine.
Molecular consequence: missense variant.
Genome position (GRCh38, 1-based): chr7:116,759,402, C>T. VCF-style: chr7-116759402-C-T. GRCh37 (hg19) VCF-style: chr7-116399456-C-T.
Other names: c.2330C>T, p.Thr777Ile (NM_001127500.3); c.2276C>T, p.Thr759Ile (NM_001324401.3); c.986C>T, p.Thr329Ile (NM_001324402.2); short protein forms T329I, T759I, T777I.
Identifiers: ClinVar variation 2155877 (VCV002155877.4), dbSNP rs1794309783, ClinGen allele CA368981973.